The following is an entry in ClinVar:

NM_005896.4(IDH1):c.1024C>T (p.His342Tyr)

Gene: IDH1 (isocitrate dehydrogenase (NADP(+)) 1; minus strand). Cytogenetic location: 2q34.
Variant type: single nucleotide variant.
Coding change: c.1024C>T on transcript NM_005896.4 (MANE Select); coding-DNA position 1024, C replaced by T.
Protein change: p.His342Tyr; replaces histidine 342 with tyrosine.
Molecular consequence: missense variant.
Genome position (GRCh38, 1-based): chr2:208,239,201, G>A on the plus strand (C>T on the coding strand, the complement: IDH1 is on the minus strand). VCF-style: chr2-208239201-G-A. GRCh37 (hg19) VCF-style: chr2-209103925-G-A.
Other names: c.1024C>T, p.His342Tyr (NM_001282386.1, NM_001282387.1); short protein forms H342Y.
Identifiers: ClinVar variation 2587375 (VCV002587375.2), dbSNP rs2124847671, ClinGen allele CA350094757.
Genomic context (GRCh38, chr2:208,239,201, plus strand): 5'-CTTCTTCCAAAGCATTTGCAAAGAAGGCAAGCTCTTTATTGTTATCAAGCTTTGCTCTGT[G>A]GGCTAACCCTCTGGTCCAGGCAAAAATGGAAGCTAAAAGAGGGGAAAAAAAACACAACAC-3'
Protein context (NP_005887.2, residues 332-352): SIFAWTRGLA[His342Tyr]RAKLDNNKEL

ClinVar aggregate classification (germline): Uncertain significance (1 of 4 stars; one submission).

Submission:

Ambry Genetics
Classification: Uncertain significance. Last evaluated: 2023-06-18. Review status: criteria provided, single submitter. Criteria: Ambry Variant Classification Scheme 2023. Collection method: clinical testing. Allele origin: germline.
Comment: The p.H342Y variant (also known as c.1024C>T), located in coding exon 7 of the IDH1 gene, results from a C to T substitution at nucleotide position 1024. The histidine at codon 342 is replaced by tyrosine, an amino acid with similar properties. This amino acid position is conserved. In addition, this alteration is predicted to be deleterious by in silico analysis. Since supporting evidence is limited at this time, the clinical significance of this alteration remains unclear.